The following is an entry in ClinVar:

NM_020745.4(AARS2):c.894+324A>G

Gene: AARS2 (alanyl-tRNA synthetase 2, mitochondrial; minus strand). Cytogenetic location: 6p21.1.
Variant type: single nucleotide variant.
Coding change: c.894+324A>G on transcript NM_020745.4 (MANE Select); 324 bases into the intron after coding-DNA position 894, A replaced by G.
Molecular consequence: intron variant.
Genome position (GRCh38, 1-based): chr6:44,309,975, T>C on the plus strand (A>G on the coding strand, the complement: AARS2 is on the minus strand). VCF-style: chr6-44309975-T-C. GRCh37 (hg19) VCF-style: chr6-44277712-T-C.
Identifiers: ClinVar variation 669455 (VCV000669455.1), dbSNP rs56130549, ClinGen allele CA15462500.

ClinVar aggregate classification (germline): Benign (1 of 4 stars; one submission).

Allele frequency attached by ClinVar (database versions not stated): 1000 Genomes Project 0.08027; 1000 Genomes Project 30x 0.08073; TOPMed 0.11750; gnomAD 0.12547 and 0.12584.
gnomAD v4.1: 19,046 of 152,264 alleles (13%); highest among the groups gnomAD compares: Non-Finnish European, 18%; 1,520 homozygotes.

Submission:

GeneDx
Classification: Benign. Last evaluated: 2018-06-14. Review status: criteria provided, single submitter. Criteria: GeneDx Variant Classification (06012015). Collection method: clinical testing. Allele origin: germline. Affected: yes.
Comment: This variant is considered likely benign or benign based on one or more of the following criteria: it is a conservative change, it occurs at a poorly conserved position in the protein, it is predicted to be benign by multiple in silico algorithms, and/or has population frequency not consistent with disease.